The following is an entry in ClinVar:

ClinVar aggregate classification (germline): Uncertain significance. Review status: criteria provided, multiple submitters, no conflicts (2 of 4 stars). 2 submissions from 2 submitters: Uncertain significance (2). Last evaluated 2025-04-11.

gnomAD v4.1: 4 of 1,613,850 alleles (0.00025%); highest among the groups gnomAD compares: Admixed American, 0.005%; no homozygotes.

Submissions (2):

Labcorp Genetics (formerly Invitae), Labcorp
Classification: Uncertain significance. Last evaluated: 2025-04-11. Review status: criteria provided, single submitter. Criteria: Invitae Variant Classification Sherloc (09022015). Collection method: clinical testing. Allele origin: germline.
Comment: This sequence change replaces aspartic acid, which is acidic and polar, with alanine, which is neutral and non-polar, at codon 2653 of the DCHS1 protein (p.Asp2653Ala). This variant is present in population databases (no rsID available, gnomAD 0.009%). This variant has not been reported in the literature in individuals affected with DCHS1-related conditions. ClinVar contains an entry for this variant (Variation ID: 1308954). Invitae Evidence Modeling of protein sequence and biophysical properties (such as structural, functional, and spatial information, amino acid conservation, physicochemical variation, residue mobility, and thermodynamic stability) indicates that this missense variant is not expected to disrupt DCHS1 protein function with a negative predictive value of 80%. In summary, the available evidence is currently insufficient to determine the role of this variant in disease. Therefore, it has been classified as a Variant of Uncertain Significance.

GeneDx
Classification: Uncertain significance. Last evaluated: 2024-04-22. Review status: criteria provided, single submitter. Criteria: GeneDx Variant Classification Process June 2021. Collection method: clinical testing. Allele origin: germline. Affected: yes.
Comment: Has not been previously published as pathogenic or benign to our knowledge; In silico analysis supports that this missense variant has a deleterious effect on protein structure/function

NM_003737.4(DCHS1):c.7958A>C (p.Asp2653Ala)

Gene: DCHS1 (dachsous cadherin-related 1; minus strand). Cytogenetic location: 11p15.4.
Variant type: single nucleotide variant.
Coding change: c.7958A>C on transcript NM_003737.4 (MANE Select); coding-DNA position 7958, A replaced by C.
Protein change: p.Asp2653Ala; replaces aspartic acid 2653 with alanine.
Molecular consequence: missense variant.
Genome position (GRCh38, 1-based): chr11:6,623,718, T>G on the plus strand (A>C on the coding strand, the complement: DCHS1 is on the minus strand). VCF-style: chr11-6623718-T-G. GRCh37 (hg19) VCF-style: chr11-6644949-T-G.
Other names: short protein forms D2653A.
Identifiers: ClinVar variation 1308954 (VCV001308954.6), dbSNP rs775669672, ClinGen allele CA379482019.
Genomic context (GRCh38, chr11:6,623,718, plus strand): 5'-TGTCGAGCCTGGGTCTCACAGTCCAGGGCATGGGCCAGTCGCAAGGTGCCTGAGCTCTCA[T>G]CCAGCTCAAAGAGCCCTGATGGGTCGCCTGAGCTGACAGTGAAACGCACGAGGCCATGAG-3'
Protein context (NP_003728.1, residues 2643-2663): SGDPSGLFEL[Asp2653Ala]ESSGTLRLAH